The following is an entry in ClinVar:

ClinVar aggregate classification (germline): Benign (1 of 4 stars; one submission).

Conditions:
Polydactyly of a triphalangeal thumb. Also called: POLYDACTYLY OF TRIPHALANGEAL THUMB; TRIPHALANGEAL THUMB-POLYDACTYLY SYNDROME; Polydactyly, preaxial type II. Identifiers: Orphanet 2439, Orphanet 2950, Orphanet 93336, MedGen C1868114, MONDO:0008270, OMIM 174500.

Allele frequency attached by ClinVar (database versions not stated): gnomAD 0.00115 and 0.00136; TOPMed 0.00144; 1000 Genomes Project 30x 0.00281; 1000 Genomes Project 0.00300.

Submission:

Illumina Laboratory Services, Illumina
Classification: Benign for Polydactyly of a triphalangeal thumb. Last evaluated: 2018-01-13. Review status: criteria provided, single submitter. Criteria: ICSL Variant Classification Criteria 13 December 2019. Collection method: clinical testing. Allele origin: germline.
Comment: This variant was observed in the ICSL laboratory as part of a predisposition screen in an ostensibly healthy population. It had not been previously curated by ICSL or reported in the Human Gene Mutation Database (HGMD: prior to June 1st, 2018), and was therefore a candidate for classification through an automated scoring system. Utilizing variant allele frequency, disease prevalence and penetrance estimates, and inheritance mode, an automated score was calculated to assess if this variant is too frequent to cause the disease. Based on the score and internal cut-off values, a variant classified as benign is not then subjected to further curation. The score for this variant resulted in a classification of benign for this disease.

NM_022458.4(LMBR1):c.*1359G>A

Gene: LMBR1 (limb development membrane protein 1; minus strand). Cytogenetic location: 7q36.3.
Variant type: single nucleotide variant.
Coding change: c.*1359G>A on transcript NM_022458.4 (MANE Select); 1359 bases downstream of the stop codon, G replaced by A.
Molecular consequence: 3 prime UTR variant. On other transcripts: non-coding transcript variant (2).
Genome position (GRCh38, 1-based): chr7:156,682,719, C>T on the plus strand (G>A on the coding strand, the complement: LMBR1 is on the minus strand). VCF-style: chr7-156682719-C-T. GRCh37 (hg19) VCF-style: chr7-156475413-C-T.
Other names: c.*1359G>A (NM_001350953.2, NM_001350954.2, NM_001350955.2 and 8 more transcripts).
Identifiers: ClinVar variation 359401 (VCV000359401.5), dbSNP rs565001458, ClinGen allele CA10625564.